The following is an entry in ClinVar:

ClinVar aggregate classification (germline): Likely benign (1 of 4 stars; one submission).

gnomAD v4.1: 29 of 1,614,000 alleles (0.0018%); highest among the groups gnomAD compares: African/African-American, 0.0027%; no homozygotes.

Submission:

CeGaT Center for Human Genetics Tuebingen
Classification: Likely benign. Last evaluated: 2024-07-01. Review status: criteria provided, single submitter. Criteria: CeGaT Center For Human Genetics Tuebingen Variant Classification Criteria Version 2. Collection method: clinical testing. Allele origin: germline. Affected: yes. Observed: 1 variant allele.
Comment: DTNA: BP4

NM_001386795.1(DTNA):c.1086-357C>T

Gene: DTNA (dystrobrevin alpha; plus strand). Cytogenetic location: 18q12.1.
Variant type: single nucleotide variant.
Coding change: c.1086-357C>T on transcript NM_001386795.1 (MANE Select); 357 bases into the intron before coding-DNA position 1086, C replaced by T.
Molecular consequence: intron variant. On other transcripts: missense variant (5).
Genome position (GRCh38, 1-based): chr18:34,829,043, C>T. VCF-style: chr18-34829043-C-T. GRCh37 (hg19) VCF-style: chr18-32409007-C-T.
Other names: c.1088C>T, p.Ser363Leu (NM_001128175.2, NM_001386776.1, NM_001386777.1); c.1097C>T, p.Ser366Leu (NM_001386775.1, NM_001392.5); c.1094+1367C>T (NM_032975.4, NM_001386761.1, NM_001386762.1 and 3 more transcripts); c.1086-357C>T (NM_001386754.1, NM_001386755.1, NM_001386760.1 and 6 more transcripts); c.1085+1367C>T (NM_001386763.1, NM_001386764.1, NM_001386768.1 and 14 more transcripts); c.603+16930C>T (NM_001198945.2); c.335+1367C>T (NM_001198943.1); c.132-357C>T (NM_001198942.1, NM_001198944.1); and 1 more; short protein forms S363L, S366L.
Identifiers: ClinVar variation 3341773 (VCV003341773.16).